The following is an entry in ClinVar:

NM_173630.4(RTTN):c.5212C>T (p.His1738Tyr)

Gene: RTTN (rotatin; minus strand). Cytogenetic location: 18q22.2.
Variant type: single nucleotide variant.
Coding change: c.5212C>T on transcript NM_173630.4 (MANE Select); coding-DNA position 5212, C replaced by T.
Protein change: p.His1738Tyr; replaces histidine 1738 with tyrosine.
Molecular consequence: missense variant.
Genome position (GRCh38, 1-based): chr18:70,051,522, G>A on the plus strand (C>T on the coding strand, the complement: RTTN is on the minus strand). VCF-style: chr18-70051522-G-A. GRCh37 (hg19) VCF-style: chr18-67718758-G-A.
Other names: c.2476C>T, p.His826Tyr (NM_001318520.2); short protein forms H1738Y, H826Y.
Identifiers: ClinVar variation 384935 (VCV000384935.54), dbSNP rs35068710, ClinGen allele CA8995006.

ClinVar aggregate classification (germline): Conflicting classifications of pathogenicity. Review status: criteria provided, conflicting classifications (1 of 4 stars). 5 submissions from 5 submitters: Uncertain significance (1); Benign (1); Likely benign (2). 1 of the submissions does not count toward it. Last evaluated 2025-12-06.

Conditions:
RTTN-related disorder. Also called: RTTN-related condition.

Allele frequency attached by ClinVar (database versions not stated): 1000 Genomes Project 30x 0.00219; TOPMed 0.00226; ESP Exome Variant Server 0.00235; 1000 Genomes Project 0.00260; gnomAD exomes 0.00022 and 0.00063; ExAC 0.00079; gnomAD 0.00196 and 0.00210.
gnomAD v4.1: 631 of 1,606,228 alleles (0.039%); highest among the groups gnomAD compares: African/African-American, 0.71%; 2 homozygotes.

Submissions (5):

Labcorp Genetics (formerly Invitae), Labcorp
Classification: Benign. Last evaluated: 2025-12-06. Review status: criteria provided, single submitter. Criteria: Invitae Variant Classification Sherloc (09022015). Collection method: clinical testing. Allele origin: germline.

Blueprint Genetics
Classification: Likely benign. Last evaluated: 2024-09-09. Review status: criteria provided, single submitter. Criteria: ACMG Guidelines, 2015. Collection method: clinical testing. Allele origin: germline.

GeneDx
Classification: Likely benign. Last evaluated: 2021-05-27. Review status: criteria provided, single submitter. Criteria: GeneDx Variant Classification Process June 2021. Collection method: clinical testing. Allele origin: germline. Affected: yes.

CeGaT Center for Human Genetics Tuebingen
Classification: Uncertain significance. Last evaluated: 2016-05-01. Review status: criteria provided, single submitter. Criteria: CeGaT Center For Human Genetics Tuebingen Variant Classification Criteria Version 2. Collection method: clinical testing. Allele origin: germline. Affected: yes. Observed: 1 variant allele.

PreventionGenetics, part of Exact Sciences
Classification: Benign for RTTN-related condition. Last evaluated: 2019-07-18. Review status: no assertion criteria provided. Collection method: clinical testing. Allele origin: germline. Not counted in ClinVar's aggregate classification.
Comment: This variant is classified as benign based on ACMG/AMP sequence variant interpretation guidelines (Richards et al. 2015 PMID: 25741868, with internal and published modifications).